The following is an entry in ClinVar:

NC_000017.10:g.(?_59760657)_(59938900_?)dup

Gene: BRIP1 (BRCA1 interacting DNA helicase 1; minus strand). Cytogenetic location: 17q23.2.
Variant type: Duplication.
Identifiers: ClinVar variation 1064347 (VCV001064347.3).

ClinVar aggregate classification (germline): Uncertain significance (1 of 4 stars; one submission).

Conditions:
Familial cancer of breast. Also called: hereditary breast carcinoma; BREAST CANCER, FAMILIAL; Hereditary breast cancer. Identifiers: Orphanet 227535, MedGen C0346153, MONDO:0016419, OMIM 114480. Disease mechanism: loss of function.
Fanconi anemia complementation group J. Also called: BRIP1-Related Fanconi Anemia. Identifiers: Orphanet 84, MedGen C1836860, MONDO:0012187, OMIM 609054.

Submission:

Labcorp Genetics (formerly Invitae), Labcorp
Classification: Uncertain significance for Familial cancer of breast; Fanconi anemia complementation group J. Last evaluated: 2022-10-20. Review status: criteria provided, single submitter. Criteria: Invitae Variant Classification Sherloc (09022015). Collection method: clinical testing. Allele origin: germline.
Comment: A copy number gain of the genomic region encompassing the full coding sequence of the BRIP1 gene has been identified. The boundaries of this event are unknown as they extend beyond the assayed region for this gene and therefore may encompass additional genes. As the precise location of this event is unknown, it may be in tandem or it may be located elsewhere in the genome. This variant has not been reported in the literature in individuals affected with BRIP1-related conditions. In summary, the available evidence is currently insufficient to determine the role of this variant in disease. Therefore, it has been classified as a Variant of Uncertain Significance.